The following is an entry in ClinVar:

ClinVar aggregate classification (germline): Conflicting classifications of pathogenicity. Review status: criteria provided, conflicting classifications (1 of 4 stars). 4 submissions from 4 submitters: Uncertain significance (2); Likely benign (2). Last evaluated 2026-01-21.

Conditions:
Cardiovascular phenotype. Identifiers: MedGen CN230736.

Allele frequency attached by ClinVar (database versions not stated): ExAC 0.00003; gnomAD exomes 0.00007 and 0.00016; TOPMed 0.00014; gnomAD 0.00007.
gnomAD v4.1: 179 of 1,211,001 alleles (0.015%); highest among the groups gnomAD compares: Non-Finnish European, 0.018%; no homozygotes.

Submissions (4):

Labcorp Genetics (formerly Invitae), Labcorp
Classification: Uncertain significance. Last evaluated: 2026-01-21. Review status: criteria provided, single submitter. Criteria: Invitae Variant Classification Sherloc (09022015). Collection method: clinical testing. Allele origin: germline.
Comment: This sequence change replaces tyrosine, which is neutral and polar, with histidine, which is basic and polar, at codon 344 of the BGN protein (p.Tyr344His). This variant is present in population databases (rs201184042, gnomAD 0.01%). This variant has not been reported in the literature in individuals affected with BGN-related conditions. ClinVar contains an entry for this variant (Variation ID: 1356371). An algorithm developed to predict the effect of missense changes on protein structure and function (PolyPhen-2) suggests that this variant is likely to be disruptive. In summary, the available evidence is currently insufficient to determine the role of this variant in disease. Therefore, it has been classified as a Variant of Uncertain Significance.

CeGaT Center for Human Genetics Tuebingen
Classification: Likely benign. Last evaluated: 2025-07-01. Review status: criteria provided, single submitter. Criteria: CeGaT Center For Human Genetics Tuebingen Variant Classification Criteria Version 2. Collection method: clinical testing. Allele origin: germline. Affected: yes. Observed: 1 variant allele.
Comment: BGN: BS2

GeneDx
Classification: Uncertain significance. Last evaluated: 2024-07-03. Review status: criteria provided, single submitter. Criteria: GeneDx Variant Classification Process June 2021. Collection method: clinical testing. Allele origin: germline. Affected: yes.
Comment: Identified in a patient with spontaneous coronary artery dissection (SCAD) and fibromuscular dysplasia (FMD) in published literature; this variant was also identified in this patient's mother who had a history of thoracic aortic aneurysm (Lexie Kolton et al., 2022); Identified in a patient with a hypermobile-EDS phenotype who also harbored a intragenic deletion in ELN (Monjazeb et al., 2023); In silico analysis supports that this missense variant has a deleterious effect on protein structure/function; Variants in candidate genes are classified as variants of uncertain significance in accordance with ACMG guidelines (PMID: 25741868); This variant is associated with the following publications: (PMID: Nso2023[abstract], Monjazeb2023[article], Kolton2022[article])

Ambry Genetics
Classification: Likely benign for Cardiovascular phenotype. Last evaluated: 2019-08-14. Review status: criteria provided, single submitter. Criteria: Ambry Variant Classification Scheme 2023. Collection method: clinical testing. Allele origin: germline.

NM_001711.6(BGN):c.1030T>C (p.Tyr344His)

Gene: BGN (biglycan; plus strand). Cytogenetic location: Xq28.
Variant type: single nucleotide variant.
Coding change: c.1030T>C on transcript NM_001711.6 (MANE Select); coding-DNA position 1030, T replaced by C.
Protein change: p.Tyr344His; replaces tyrosine 344 with histidine.
Molecular consequence: missense variant.
Genome position (GRCh38, 1-based): chrX:153,508,368, T>C. VCF-style: chrX-153508368-T-C. GRCh37 (hg19) VCF-style: chrX-152773826-T-C.
Other names: c.1030T>C (NM_001711.5); short protein forms Y344H.
Identifiers: ClinVar variation 1356371 (VCV001356371.17), dbSNP rs201184042, ClinGen allele CA10547382.